The following is an entry in ClinVar:

NM_000785.4(CYP27B1):c.1216-1G>C

Gene: CYP27B1 (cytochrome P450 family 27 subfamily B member 1; minus strand). Cytogenetic location: 12q14.1.
Variant type: single nucleotide variant.
Coding change: c.1216-1G>C on transcript NM_000785.4 (MANE Select); the canonical splice acceptor site of the intron before coding-DNA position 1216, G replaced by C.
Molecular consequence: splice acceptor variant.
Genome position (GRCh38, 1-based): chr12:57,763,809, C>G on the plus strand (G>C on the coding strand, the complement: CYP27B1 is on the minus strand). VCF-style: chr12-57763809-C-G. GRCh37 (hg19) VCF-style: chr12-58157592-C-G.
Identifiers: ClinVar variation 1457427 (VCV001457427.6), dbSNP rs1382184215, ClinGen allele CA385501286.

ClinVar aggregate classification (germline): Pathogenic (1 of 4 stars; one submission).

Submission:

Labcorp Genetics (formerly Invitae), Labcorp
Classification: Pathogenic. Last evaluated: 2024-02-24. Review status: criteria provided, single submitter. Criteria: Invitae Variant Classification Sherloc (09022015). Collection method: clinical testing. Allele origin: germline.
Comment: This sequence change affects an acceptor splice site in intron 7 of the CYP27B1 gene. It is expected to disrupt RNA splicing. Variants that disrupt the donor or acceptor splice site typically lead to a loss of protein function (PMID: 16199547), and loss-of-function variants in CYP27B1 are known to be pathogenic (PMID: 9837822, 17488797). This variant is not present in population databases (gnomAD no frequency). Disruption of this splice site has been observed in individual(s) with clinical features of vitamin D-dependent rickets (Invitae). In at least one individual the data is consistent with being in trans (on the opposite chromosome) from a pathogenic variant. ClinVar contains an entry for this variant (Variation ID: 1457427). Algorithms developed to predict the effect of sequence changes on RNA splicing suggest that this variant may disrupt the consensus splice site. For these reasons, this variant has been classified as Pathogenic.

Literature cited by the submitters: PubMed 16199547; PubMed 9837822; PubMed 17488797.